The following is an entry in ClinVar:

NM_053025.4(MYLK):c.4842_4843inv (p.Ala1615Thr)

Gene: MYLK (myosin light chain kinase; minus strand). Cytogenetic location: 3q21.1.
Variant type: Inversion.
Coding change: c.4842_4843inv on transcript NM_053025.4 (MANE Select).
Protein change: p.Ala1615Thr; replaces alanine 1615 with threonine.
Molecular consequence: missense variant.
Genome position: GRCh38 VCF-style: chr3-123638189-CA-TG. GRCh37 (hg19) VCF-style: chr3-123357036-CA-TG.
Other names: c.4314_4315inv, p.Ala1439Thr (NM_001321309.2); c.4635_4636inv, p.Ala1546Thr (NM_053026.4, NM_053028.4); c.4842_4843inv, p.Ala1615Thr (NM_053027.4); short protein forms A1546T, A1615T, A1439T.
Identifiers: ClinVar variation 4752008 (VCV004752008.1).

ClinVar aggregate classification (germline): Uncertain significance (1 of 4 stars; one submission).

Conditions:
Aortic aneurysm, familial thoracic 7 (AAT7). Also called: AORTIC DISSECTION, FAMILIAL, WITH OR WITHOUT AORTIC ANEURYSM. Identifiers: MedGen C3151077, MONDO:0013418, OMIM 613780.

Submission:

Labcorp Genetics (formerly Invitae), Labcorp
Classification: Uncertain significance for Aortic aneurysm, familial thoracic 7. Last evaluated: 2025-11-24. Review status: criteria provided, single submitter. Criteria: Invitae Variant Classification Sherloc (09022015). Collection method: clinical testing. Allele origin: germline.
Comment: This sequence change replaces alanine, which is neutral and non-polar, with threonine, which is neutral and polar, at codon 1615 of the MYLK protein (p.Ala1615Thr). Information on the frequency of this variant in the gnomAD database is not available, as this variant may be reported differently in the database. This variant has not been reported in the literature in individuals affected with MYLK-related conditions. Experimental studies and prediction algorithms are not available or were not evaluated, and the functional significance of this variant is currently unknown. In summary, the available evidence is currently insufficient to determine the role of this variant in disease. Therefore, it has been classified as a Variant of Uncertain Significance.